The following is an entry in ClinVar:

NM_004336.5(BUB1):c.1010C>T (p.Ala337Val)

Gene: BUB1 (BUB1 mitotic checkpoint serine/threonine kinase; minus strand). Cytogenetic location: 2q13.
Variant type: single nucleotide variant.
Coding change: c.1010C>T on transcript NM_004336.5 (MANE Select); coding-DNA position 1010, C replaced by T.
Protein change: p.Ala337Val; replaces alanine 337 with valine.
Molecular consequence: missense variant.
Genome position (GRCh38, 1-based): chr2:110,661,789, G>A on the plus strand (C>T on the coding strand, the complement: BUB1 is on the minus strand). VCF-style: chr2-110661789-G-A. GRCh37 (hg19) VCF-style: chr2-111419366-G-A.
Other names: c.950C>T, p.Ala317Val (NM_001278616.2); c.1010C>T, p.Ala337Val (NM_001278617.2); short protein forms A317V, A337V.
Identifiers: ClinVar variation 3703392 (VCV003703392.2).

ClinVar aggregate classification (germline): Uncertain significance (1 of 4 stars; one submission).

gnomAD v4.1: 203 of 1,614,156 alleles (0.013%); highest among the groups gnomAD compares: South Asian, 0.2%; 3 homozygotes.

Submission:

Labcorp Genetics (formerly Invitae), Labcorp
Classification: Uncertain significance. Last evaluated: 2024-07-08. Review status: criteria provided, single submitter. Criteria: Invitae Variant Classification Sherloc (09022015). Collection method: clinical testing. Allele origin: germline.
Comment: This sequence change replaces alanine, which is neutral and non-polar, with valine, which is neutral and non-polar, at codon 337 of the BUB1 protein (p.Ala337Val). This variant is present in population databases (rs548365437, gnomAD 0.2%), and has an allele count higher than expected for a pathogenic variant. This variant has not been reported in the literature in individuals affected with BUB1-related conditions. An algorithm developed to predict the effect of missense changes on protein structure and function outputs the following: PolyPhen-2: "Not Available". The valine amino acid residue is found in multiple mammalian species, which suggests that this missense change does not adversely affect protein function. In summary, the available evidence is currently insufficient to determine the role of this variant in disease. Therefore, it has been classified as a Variant of Uncertain Significance.